The following is an entry in ClinVar:

ClinVar aggregate classification (germline): Uncertain significance (1 of 4 stars; one submission).

Conditions:
Ataxia-telangiectasia syndrome (AT). Also called: Ataxia-telangiectasia, complementation group D; LOUIS-BAR SYNDROME; AT, COMPLEMENTATION GROUP C; ATAXIA-TELANGIECTASIA, COMPLEMENTATION GROUP A; ATAXIA-TELANGIECTASIA, FRESNO VARIANT; Ataxia-telangiectasia. Identifiers: Orphanet 100, MedGen C0004135, MONDO:0008840, OMIM 208900.

Submission:

Labcorp Genetics (formerly Invitae), Labcorp
Classification: Uncertain significance for Ataxia-telangiectasia syndrome. Last evaluated: 2023-11-11. Review status: criteria provided, single submitter. Criteria: Invitae Variant Classification Sherloc (09022015). Collection method: clinical testing. Allele origin: germline.
Comment: This sequence change replaces alanine, which is neutral and non-polar, with serine, which is neutral and polar, at codon 234 of the ATM protein (p.Ala234Ser). This variant is not present in population databases (gnomAD no frequency). This variant has not been reported in the literature in individuals affected with ATM-related conditions. Algorithms developed to predict the effect of missense changes on protein structure and function output the following: SIFT: "Not Available"; PolyPhen-2: "Benign"; Align-GVGD: "Not Available". The serine amino acid residue is found in multiple mammalian species, which suggests that this missense change does not adversely affect protein function. In summary, the available evidence is currently insufficient to determine the role of this variant in disease. Therefore, it has been classified as a Variant of Uncertain Significance.

NM_000051.4(ATM):c.700G>T (p.Ala234Ser)

Gene: ATM (ATM serine/threonine kinase; plus strand). Cytogenetic location: 11q22.3.
Variant type: single nucleotide variant.
Coding change: c.700G>T on transcript NM_000051.4 (MANE Select); coding-DNA position 700, G replaced by T.
Protein change: p.Ala234Ser; replaces alanine 234 with serine.
Molecular consequence: missense variant.
Genome position (GRCh38, 1-based): chr11:108,244,825, G>T. VCF-style: chr11-108244825-G-T. GRCh37 (hg19) VCF-style: chr11-108115552-G-T.
Other names: c.700G>T, p.Ala234Ser (NM_001351834.2); short protein forms A234S.
Identifiers: ClinVar variation 2915467 (VCV002915467.3), dbSNP rs2135237909, ClinGen allele CA382529124.